The following is an entry in ClinVar:

NM_001378969.1(KCND3):c.342C>T (p.Tyr114=)

Gene: KCND3 (potassium voltage-gated channel subfamily D member 3; minus strand). Cytogenetic location: 1p13.2.
Variant type: single nucleotide variant.
Coding change: c.342C>T on transcript NM_001378969.1 (MANE Select); coding-DNA position 342, C replaced by T.
Protein change: p.Tyr114=; no amino-acid change (tyrosine 114 retained).
Molecular consequence: synonymous variant.
Genome position (GRCh38, 1-based): chr1:111,982,385, G>A on the plus strand (C>T on the coding strand, the complement: KCND3 is on the minus strand). VCF-style: chr1-111982385-G-A. GRCh37 (hg19) VCF-style: chr1-112525007-G-A.
Other names: c.342C>T, p.Tyr114= (NM_001378970.1, NM_004980.5, NM_172198.3).
Identifiers: ClinVar variation 389665 (VCV000389665.3), dbSNP rs555413116, ClinGen allele CA1007612.

ClinVar aggregate classification (germline): Likely benign. Review status: criteria provided, multiple submitters, no conflicts (2 of 4 stars). 3 submissions from 3 submitters: Likely benign (3). Last evaluated 2025-05-08.

Conditions:
Spinocerebellar ataxia type 19/22 (SCA19). Also called: SPINOCEREBELLAR ATAXIA 22; SPINOCEREBELLAR ATAXIA 19. Identifiers: Orphanet 98772, MedGen C1846367, MONDO:0011819, OMIM 607346.
Cardiovascular phenotype. Identifiers: MedGen CN230736.

Allele frequency attached by ClinVar (database versions not stated): gnomAD 0.00001; gnomAD exomes 0.00001; ExAC 0.00002; TOPMed 0.00002; 1000 Genomes Project 30x 0.00016; 1000 Genomes Project 0.00020.
gnomAD v4.1: 11 of 1,614,164 alleles (0.00068%); highest among the groups gnomAD compares: South Asian, 0.0033%; no homozygotes.

Submissions (3):

Ambry Genetics
Classification: Likely benign for Cardiovascular phenotype. Last evaluated: 2025-05-08. Review status: criteria provided, single submitter. Criteria: Ambry Variant Classification Scheme 2023. Collection method: clinical testing. Allele origin: germline.

Labcorp Genetics (formerly Invitae), Labcorp
Classification: Likely benign for Spinocerebellar ataxia type 19/22. Last evaluated: 2025-02-19. Review status: criteria provided, single submitter. Criteria: Invitae Variant Classification Sherloc (09022015). Collection method: clinical testing. Allele origin: germline.

GeneDx
Classification: Likely benign. Last evaluated: 2016-10-03. Review status: criteria provided, single submitter. Criteria: GeneDx Variant Classification (06012015). Collection method: clinical testing. Allele origin: germline. Affected: yes.
Comment: This variant is considered likely benign or benign based on one or more of the following criteria: it is a conservative change, it occurs at a poorly conserved position in the protein, it is predicted to be benign by multiple in silico algorithms, and/or has population frequency not consistent with disease.